The following is an entry in ClinVar:

NM_000533.5(PLP1):c.413T>C (p.Val138Ala)

Genes: PLP1 (proteolipid protein 1; plus strand), RAB9B (RAB9B, member RAS oncogene family; minus strand). Cytogenetic location: Xq22.2.
Variant type: single nucleotide variant.
Coding change: c.413T>C on transcript NM_000533.5 (MANE Select); coding-DNA position 413, T replaced by C.
Protein change: p.Val138Ala; replaces valine 138 with alanine.
Molecular consequence: missense variant. On other transcripts: intron variant (1).
Genome position (GRCh38, 1-based): chrX:103,786,686, T>C. VCF-style: chrX-103786686-T-C. GRCh37 (hg19) VCF-style: chrX-103041615-T-C.
Other names: c.413T>C, p.Val138Ala (NM_001128834.3); c.248T>C, p.Val83Ala (NM_001305004.1); c.348+65T>C (NM_199478.3); short protein forms V138A, V83A.
Identifiers: ClinVar variation 3236649 (VCV003236649.1), dbSNP rs2074500188, ClinGen allele CA414102886.

ClinVar aggregate classification (germline): Uncertain significance (1 of 4 stars; one submission).

Conditions:
Pelizaeus-Merzbacher disease. Also called: LEUKODYSTROPHY, HYPOMYELINATING, 1; Pelizaeus-Merzbacher spectrum disorder; Pelizaeus-Merzbacher Disease (PMD); Pelizeaus-Merzbacher spectrum disorder; Sudanophilic leukodystrophy. Identifiers: Orphanet 702, MedGen C0205711, MONDO:0010714, OMIM 312080, HP:0003269.
Hereditary spastic paraplegia 2 (SPG2). Also called: SPASTIC PARAPLEGIA 2, X-LINKED; Spastic Paraplegia 2 (SPG2). Identifiers: Orphanet 99015, MedGen C0751604, MONDO:0010733, OMIM 312920.

Allele frequency attached by ClinVar (database versions not stated): gnomAD exomes below 0.00001; TOPMed below 0.00001.
gnomAD v4.1: 1 of 1,210,910 alleles (0.000083%); highest among the groups gnomAD compares: Non-Finnish European, 0.00011%; no homozygotes.

Submission:

Clinical Genomics Laboratory, Washington University in St. Louis
Classification: Uncertain significance for Pelizaeus-Merzbacher disease; Hereditary spastic paraplegia 2. Last evaluated: 2024-04-23. Review status: criteria provided, single submitter. Criteria: ACMG Guidelines, 2015. Collection method: clinical testing. Allele origin: germline. Affected: yes.
Comment: The PLP1 c.413T>C (p.Val138Ala) variant, to our knowledge, has not been reported in the medical literature nor in the ClinVar database. This variant is absent from the general population (gnomAD v.2.1.1), indicating it is not a common variant. Computational predictors are uncertain as to the impact of this variant on PLP1 function. Due to limited information, and based on ACMG/AMP guidelines for variant interpretation (Richards S et al., PMID: 25741868), the clinical significance of this variant is uncertain at this time.